The following is an entry in ClinVar:

ClinVar aggregate classification (germline): Benign. Review status: criteria provided, multiple submitters, no conflicts (2 of 4 stars). 2 submissions from 2 submitters: Benign (2). Last evaluated 2018-06-18.

Allele frequency attached by ClinVar (database versions not stated): gnomAD exomes 0.23191; gnomAD 0.36694 and 0.37458; TOPMed 0.38619; 1000 Genomes Project 0.39457; 1000 Genomes Project 30x 0.40100.
gnomAD v4.1: 297,297 of 1,187,974 alleles (25%); highest among the groups gnomAD compares: African/African-American, 72%; 45,941 homozygotes.

Submissions (2):

GeneDx
Classification: Benign. Last evaluated: 2018-06-18. Review status: criteria provided, single submitter. Criteria: GeneDx Variant Classification (06012015). Collection method: clinical testing. Allele origin: germline. Affected: yes.
Comment: This variant is considered likely benign or benign based on one or more of the following criteria: it is a conservative change, it occurs at a poorly conserved position in the protein, it is predicted to be benign by multiple in silico algorithms, and/or has population frequency not consistent with disease.

Breakthrough Genomics
Classification: Benign. Review status: criteria provided, single submitter. Criteria: ACMG Guidelines, 2015. Collection method: not provided. Allele origin: germline. Inheritance: Autosomal dominant inheritance. Affected: yes.

NM_001376.5(DYNC1H1):c.13219-140G>A

Gene: DYNC1H1 (dynein cytoplasmic 1 heavy chain 1; plus strand). Cytogenetic location: 14q32.31.
Variant type: single nucleotide variant.
Coding change: c.13219-140G>A on transcript NM_001376.5 (MANE Select); 140 bases into the intron before coding-DNA position 13219, G replaced by A.
Molecular consequence: intron variant.
Genome position (GRCh38, 1-based): chr14:102,048,376, G>A. VCF-style: chr14-102048376-G-A. GRCh37 (hg19) VCF-style: chr14-102514713-G-A.
Identifiers: ClinVar variation 679361 (VCV000679361.2), dbSNP rs941792, ClinGen allele CA13950825.